The following is an entry in ClinVar:

ClinVar aggregate classification (germline): Uncertain significance. Review status: criteria provided, multiple submitters, no conflicts (2 of 4 stars). 4 submissions from 4 submitters: Uncertain significance (4). Last evaluated 2025-11-10.

Conditions:
Cardiac arrhythmia. Also called: Cardiac rhythm disease; Arrhythmia. Identifiers: MedGen C0003811, MONDO:0007263, HP:0011675.
Long QT syndrome (LQTS). Identifiers: MedGen C0023976, MeSH D008133, MONDO:0002442. Disease mechanism: loss of function. Inheritance: Various modes of inheritance.

Submissions (4):

Labcorp Genetics (formerly Invitae), Labcorp
Classification: Uncertain significance for Long QT syndrome. Last evaluated: 2025-11-10. Review status: criteria provided, single submitter. Criteria: Invitae Variant Classification Sherloc (09022015). Collection method: clinical testing. Allele origin: germline.
Comment: This sequence change replaces threonine, which is neutral and polar, with serine, which is neutral and polar, at codon 899 of the KCNH2 protein (p.Thr899Ser). This variant is not present in population databases (gnomAD no frequency). This variant has not been reported in the literature in individuals affected with KCNH2-related conditions. ClinVar contains an entry for this variant (Variation ID: 919954). An algorithm developed to predict the effect of missense changes on protein structure and function (PolyPhen-2) suggests that this variant is likely to be tolerated. In summary, the available evidence is currently insufficient to determine the role of this variant in disease. Therefore, it has been classified as a Variant of Uncertain Significance.

All of Us Research Program, National Institutes of Health
Classification: Uncertain significance for Long QT syndrome. Last evaluated: 2024-05-14. Review status: criteria provided, single submitter. Criteria: ACMG Guidelines, 2015. Collection method: clinical testing. Allele origin: germline. Inheritance: Autosomal dominant inheritance. Observed: 2 variant alleles, 2 heterozygotes.
Comment: This missense variant replaces threonine with serine at codon 899 of the KCNH2 protein. Computational prediction suggests that this variant may not impact protein structure and function (internally defined REVEL score threshold <= 0.5, PMID: 27666373). To our knowledge, functional studies have not been reported for this variant. This variant has not been reported in individuals affected with cardiovascular disorders in the literature. This variant has not been identified in the general population by the Genome Aggregation Database (gnomAD). The available evidence is insufficient to determine the role of this variant in disease conclusively. Therefore, this variant is classified as a Variant of Uncertain Significance.

This study involves interpretation of variants in research participants for the purpose of population health screening. Participant phenotype was not available at the time of variant classification. Additional details can be found in publication PMID: 35346344, PMCID: PMC8962531

Color Diagnostics, LLC DBA Color Health
Classification: Uncertain significance for Cardiac arrhythmia. Last evaluated: 2024-04-03. Review status: criteria provided, single submitter. Criteria: ACMG Guidelines, 2015. Collection method: clinical testing. Allele origin: germline.
Comment: This missense variant replaces threonine with serine at codon 899 of the KCNH2 protein. Computational prediction suggests that this variant may not impact protein structure and function (internally defined REVEL score threshold <= 0.5, PMID: 27666373). To our knowledge, functional studies have not been reported for this variant. This variant has not been reported in individuals affected with KCNH2-related disorders in the literature. This variant has not been identified in the general population by the Genome Aggregation Database (gnomAD). The available evidence is insufficient to determine the role of this variant in disease conclusively. Therefore, this variant is classified as a Variant of Uncertain Significance.

Blueprint Genetics
Classification: Uncertain significance. Last evaluated: 2022-12-13. Review status: criteria provided, single submitter. Criteria: ACMG Guidelines, 2015. Collection method: clinical testing. Allele origin: germline.

NM_000238.4(KCNH2):c.2695A>T (p.Thr899Ser)

Gene: KCNH2 (potassium voltage-gated channel subfamily H member 2; minus strand). Cytogenetic location: 7q36.1.
Variant type: single nucleotide variant.
Coding change: c.2695A>T on transcript NM_000238.4 (MANE Select); coding-DNA position 2695, A replaced by T.
Protein change: p.Thr899Ser; replaces threonine 899 with serine.
Molecular consequence: missense variant.
Genome position (GRCh38, 1-based): chr7:150,947,876, T>A on the plus strand (A>T on the coding strand, the complement: KCNH2 is on the minus strand). VCF-style: chr7-150947876-T-A. GRCh37 (hg19) VCF-style: chr7-150644964-T-A.
Other names: c.1675A>T, p.Thr559Ser (NM_172057.3); short protein forms T559S, T899S.
Identifiers: ClinVar variation 919954 (VCV000919954.14), dbSNP rs1800976319, ClinGen allele CA369853571.